The following is an entry in ClinVar:

NM_016529.6(ATP8A2):c.1770C>T (p.Tyr590=)

Gene: ATP8A2 (ATPase phospholipid transporting 8A2). Cytogenetic location: 13q12.13.
Variant type: single nucleotide variant.
Coding change: c.1770C>T on transcript NM_016529.6 (MANE Select); coding-DNA position 1770, C replaced by T.
Protein change: p.Tyr590=; no amino-acid change (tyrosine 590 retained).
Molecular consequence: synonymous variant.
Genome position (GRCh38, 1-based): chr13:25,577,126, C>T. VCF-style: chr13-25577126-C-T. GRCh37 (hg19) VCF-style: chr13-26151264-C-T.
Other names: c.1650C>T, p.Tyr550= (NM_001313741.1); c.1770C>T, p.Tyr590= (NM_001411005.1, NM_001411006.1).
Identifiers: ClinVar variation 3898710 (VCV003898710.7).

ClinVar aggregate classification (germline): Likely benign (1 of 4 stars; one submission).

gnomAD v4.1: 26 of 1,613,740 alleles (0.0016%); highest among the groups gnomAD compares: African/African-American, 0.035%; 1 homozygote.

Submission:

CeGaT Center for Human Genetics Tuebingen
Classification: Likely benign. Last evaluated: 2025-04-01. Review status: criteria provided, single submitter. Criteria: CeGaT Center For Human Genetics Tuebingen Variant Classification Criteria Version 2. Collection method: clinical testing. Allele origin: germline. Affected: yes. Observed: 1 variant allele.
Comment: ATP8A2: BP4, BP7